The following is an entry in ClinVar:

NM_001105206.3(LAMA4):c.2794A>C (p.Ser932Arg)

Genes: LAMA4 (laminin subunit alpha 4; minus strand), LOC126859766 (MED14-independent group 3 enhancer GRCh37_chr6:112462018-112463217; plus strand). Cytogenetic location: 6q21.
Variant type: single nucleotide variant.
Coding change: c.2794A>C on transcript NM_001105206.3 (MANE Select); coding-DNA position 2794, A replaced by C.
Protein change: p.Ser932Arg; replaces serine 932 with arginine.
Molecular consequence: missense variant.
Genome position (GRCh38, 1-based): chr6:112,141,377, T>G on the plus strand (A>C on the coding strand, the complement: LAMA4 is on the minus strand). VCF-style: chr6-112141377-T-G. GRCh37 (hg19) VCF-style: chr6-112462579-T-G.
Other names: c.2773A>C, p.Ser925Arg (NM_001105207.3, NM_002290.5); short protein forms S925R, S932R.
Identifiers: ClinVar variation 4096216 (VCV004096216.1).

ClinVar aggregate classification (germline): Uncertain significance (1 of 4 stars; one submission).

Conditions:
Cardiovascular phenotype. Identifiers: MedGen CN230736.

gnomAD v4.1: 19 of 1,614,148 alleles (0.0012%); highest among the groups gnomAD compares: Non-Finnish European, 0.0016%; no homozygotes.

Submission:

Ambry Genetics
Classification: Uncertain significance for Cardiovascular phenotype. Last evaluated: 2025-08-12. Review status: criteria provided, single submitter. Criteria: Ambry Variant Classification Scheme 2023. Collection method: clinical testing. Allele origin: germline.
Comment: The p.S925R variant (also known as c.2773A>C), located in coding exon 20 of the LAMA4 gene, results from an A to C substitution at nucleotide position 2773. The serine at codon 925 is replaced by arginine, an amino acid with dissimilar properties. This amino acid position is conserved. In addition, this alteration is predicted to be deleterious by in silico analysis. Based on the available evidence, the clinical significance of this variant remains unclear.